The following is an entry in ClinVar:

NM_001205019.2(GK):c.373_374del (p.Ser125_Leu126insTer)

Gene: GK (glycerol kinase; plus strand). Cytogenetic location: Xp21.2.
Variant type: Microsatellite.
Coding change: c.373_374del on transcript NM_001205019.2 (MANE Select); coding-DNA positions 373 to 374, 2 bases deleted (AG; older notation c.373_374delAG).
Protein change: p.Ser125_Leu126insTer.
Molecular consequence: frameshift variant. On other transcripts: non-coding transcript variant (7).
Genome position (GRCh38, 1-based): chrX:30,691,158-30,691,159, AG deleted; deleting any 2 consecutive bases within chrX:30,691,155-30,691,159 gives the same sequence; the c. name uses the placement nearest the transcript's 3' end. VCF-style (leftmost placement, unchanged base first): chrX-30691154-TGA-T. GRCh37 (hg19) VCF-style: chrX-30709271-TGA-T.
Other names: c.373_374del, p.Ser125_Leu126insTer (NM_000167.6, NM_001128127.3, NM_203391.4); c.457_458del, p.Ser153_Leu154insTer (NM_001399987.1).
Identifiers: ClinVar variation 2712717 (VCV002712717.3), dbSNP rs2519268573, ClinGen allele CA2697552911.

ClinVar aggregate classification (germline): Pathogenic (1 of 4 stars; one submission).

Submission:

Labcorp Genetics (formerly Invitae), Labcorp
Classification: Pathogenic. Last evaluated: 2023-06-12. Review status: criteria provided, single submitter. Criteria: Invitae Variant Classification Sherloc (09022015). Collection method: clinical testing. Allele origin: germline.
Comment: For these reasons, this variant has been classified as Pathogenic. Algorithms developed to predict the effect of sequence changes on RNA splicing suggest that this variant may disrupt the consensus splice site. This variant has not been reported in the literature in individuals affected with GK-related conditions. This variant is not present in population databases (gnomAD no frequency). This sequence change creates a premature translational stop signal (p.Leu126*) in the GK gene. It is expected to result in an absent or disrupted protein product. Loss-of-function variants in GK are known to be pathogenic (PMID: 9302256, 11479736).

Literature cited by the submitters: PubMed 9302256; PubMed 11479736.